The following is an entry in ClinVar:

NM_001972.4(ELANE):c.361C>A (p.Leu121Ile)

Gene: ELANE (elastase, neutrophil expressed; plus strand). Cytogenetic location: 19p13.3.
Variant type: single nucleotide variant.
Coding change: c.361C>A on transcript NM_001972.4 (MANE Select); coding-DNA position 361, C replaced by A.
Protein change: p.Leu121Ile; replaces leucine 121 with isoleucine.
Molecular consequence: missense variant.
Genome position (GRCh38, 1-based): chr19:853,398, C>A. VCF-style: chr19-853398-C-A. GRCh37 (hg19) VCF-style: chr19-853398-C-A.
Other names: short protein forms L121I.
Identifiers: ClinVar variation 4824015 (VCV004824015.1).

ClinVar aggregate classification (germline): Uncertain significance (1 of 4 stars; one submission).

Conditions:
Inborn genetic diseases. Identifiers: MedGen C0950123, MeSH D030342.

Submission:

Ambry Genetics
Classification: Uncertain significance for Inborn genetic diseases. Last evaluated: 2026-02-19. Review status: criteria provided, single submitter. Criteria: Ambry Variant Classification Scheme 2023. Collection method: clinical testing. Allele origin: germline.
Comment: The p.L121I variant (also known as c.361C>A), located in coding exon 3 of the ELANE gene, results from a C to A substitution at nucleotide position 361. The leucine at codon 121 is replaced by isoleucine, an amino acid with highly similar properties. This amino acid position is conserved. In addition, the in silico prediction for this alteration is inconclusive. Based on the available evidence, the clinical significance of this variant remains unclear.